The following is an entry in ClinVar:

ClinVar aggregate classification (germline): Benign/Likely benign. Review status: criteria provided, multiple submitters, no conflicts (2 of 4 stars). 3 submissions from 3 submitters: Benign (1); Likely benign (2). Last evaluated 2026-04-20.

Conditions:
DICER1-related tumor predisposition. Also called: DICER1-related pleuropulmonary blastoma cancer predisposition syndrome; DICER1 syndrome. Identifiers: Orphanet 284343, MedGen C3839822, MONDO:0100216.
Hereditary cancer-predisposing syndrome. Also called: Neoplastic Syndromes, Hereditary; Tumor predisposition; Hereditary neoplastic syndrome; Hereditary Cancer Syndrome. Identifiers: Orphanet 140162, MedGen C0027672, MeSH D009386, MONDO:0015356.

Allele frequency attached by ClinVar (database versions not stated): gnomAD exomes below 0.00001.
gnomAD v4.1: 1 of 1,614,086 alleles (0.000062%); highest among the groups gnomAD compares: African/African-American, 0.0013%; no homozygotes.

Submissions (3):

Myriad Genetics, Inc.
Classification: Benign for DICER1-related tumor predisposition. Last evaluated: 2026-04-20. Review status: criteria provided, single submitter. Criteria: Myriad Autosomal Dominant, Autosomal Recessive and X-Linked Classification Criteria (2023). Collection method: clinical testing. Allele origin: unknown.
Comment: This variant is considered benign. This variant is a silent/synonymous amino acid change and it is not expected to impact splicing.

Labcorp Genetics (formerly Invitae), Labcorp
Classification: Likely benign for DICER1-related tumor predisposition. Last evaluated: 2025-12-02. Review status: criteria provided, single submitter. Criteria: Invitae Variant Classification Sherloc (09022015). Collection method: clinical testing. Allele origin: germline.

Ambry Genetics
Classification: Likely benign for Hereditary cancer-predisposing syndrome. Last evaluated: 2022-04-30. Review status: criteria provided, single submitter. Criteria: Ambry Variant Classification Scheme 2023. Collection method: clinical testing. Allele origin: germline.

NM_177438.3(DICER1):c.4452C>T (p.Pro1484=)

Gene: DICER1 (dicer 1, ribonuclease III; minus strand). Cytogenetic location: 14q32.13.
Variant type: single nucleotide variant.
Coding change: c.4452C>T on transcript NM_177438.3 (MANE Select); coding-DNA position 4452, C replaced by T.
Protein change: p.Pro1484=; no amino-acid change (proline 1484 retained).
Molecular consequence: synonymous variant. On other transcripts: non-coding transcript variant (6).
Genome position (GRCh38, 1-based): chr14:95,096,468, G>A on the plus strand (C>T on the coding strand, the complement: DICER1 is on the minus strand). VCF-style: chr14-95096468-G-A. GRCh37 (hg19) VCF-style: chr14-95562805-G-A.
Other names: c.4452C>T, p.Pro1484= (NM_001195573.1, NM_001271282.3, NM_001291628.2 and 13 more transcripts); c.4170C>T, p.Pro1390= (NM_001395686.1); c.4047C>T, p.Pro1349= (NM_001395687.1, NM_001395688.1, NM_001395689.1 and 2 more transcripts); c.3885C>T, p.Pro1295= (NM_001395691.1); c.2769C>T, p.Pro923= (NM_001395697.1).
Identifiers: ClinVar variation 1740714 (VCV001740714.8), dbSNP rs2542502096, ClinGen allele CA487844157.